The following is an entry in ClinVar:

NM_033380.3(COL4A5):c.1853_1854insTA (p.Pro619fs)

Gene: COL4A5 (collagen type IV alpha 5 chain; plus strand). Cytogenetic location: Xq22.3.
Variant type: Insertion.
Coding change: c.1853_1854insTA on transcript NM_033380.3 (MANE Select); coding-DNA positions 1853 to 1854, TA inserted.
Protein change: p.Pro619fs; shifts the reading frame from proline 619.
Molecular consequence: frameshift variant.
Genome position: GRCh38 VCF-style: chrX-108598775-G-GTA. GRCh37 (hg19) VCF-style: chrX-107842005-G-GTA.
Other names: c.1853_1854insTA, p.Pro619fs (NM_000495.5); short protein forms P619fs.
Identifiers: ClinVar variation 4991205 (VCV004991205.1).

ClinVar aggregate classification (germline): Likely pathogenic (1 of 4 stars; one submission).

Conditions:
COL4A5-related disorder. Also called: COL4A5-related condition.

Submission:

PreventionGenetics, part of Exact Sciences
Classification: Likely pathogenic for COL4A5-related condition. Last evaluated: 2025-11-05. Review status: criteria provided, single submitter. Criteria: ACMG Guidelines, 2015. Collection method: clinical testing. Allele origin: germline.
Comment: The COL4A5 c.1853_1854insTA variant is predicted to result in a frameshift and premature protein termination (p.Pro619Serfs*14). To our knowledge, this variant has not been reported in the literature or in a large population database (gnomAD), indicating this variant is rare. Frameshift variants in COL4A5 are expected to be pathogenic. This variant is interpreted as likely pathogenic.